The following is an entry in ClinVar:

NM_001267550.2(TTN):c.103104A>G (p.Leu34368=)

Genes: TTN (titin; minus strand), TTN-AS1 (TTN antisense RNA 1; plus strand). Cytogenetic location: 2q31.2.
Variant type: single nucleotide variant.
Coding change: c.103104A>G on transcript NM_001267550.2 (MANE Select); coding-DNA position 103104, A replaced by G.
Protein change: p.Leu34368=; no amino-acid change (leucine 34368 retained).
Molecular consequence: synonymous variant.
Genome position (GRCh38, 1-based): chr2:178,533,511, T>C on the plus strand (A>G on the coding strand, the complement: TTN is on the minus strand). VCF-style: chr2-178533511-T-C. GRCh37 (hg19) VCF-style: chr2-179398238-T-C.
Other names: c.98181A>G, p.Leu32727= (NM_001256850.1); c.75909A>G, p.Leu25303= (NM_003319.4); c.76284A>G, p.Leu25428= (NM_133432.3); c.76485A>G, p.Leu25495= (NM_133437.4); c.95400A>G, p.Leu31800= (NM_133378.4).
Identifiers: ClinVar variation 167755 (VCV000167755.57), dbSNP rs371535721, ClinGen allele CA235030.

ClinVar aggregate classification (germline): Conflicting classifications of pathogenicity. Review status: criteria provided, conflicting classifications (1 of 4 stars). 9 submissions from 9 submitters: Uncertain significance (1); Benign (1); Likely benign (7). Last evaluated 2026-07-01.

Conditions:
Cardiovascular phenotype. Identifiers: MedGen CN230736.
Autosomal recessive limb-girdle muscular dystrophy type 2J (LGMDR10). Also called: Limb-girdle muscular dystrophy, type 2J; MUSCULAR DYSTROPHY, LIMB-GIRDLE, AUTOSOMAL RECESSIVE 10. Identifiers: Orphanet 140922, MedGen C1837342, MONDO:0012127, OMIM 608807.
Dilated cardiomyopathy 1G (CMD1G). Identifiers: Orphanet 154, MedGen C1858763, MONDO:0011400, OMIM 604145.

Allele frequency attached by ClinVar (database versions not stated): gnomAD exomes 0.00009 and 0.00022; gnomAD 0.00014 and 0.00015; ESP Exome Variant Server 0.00016; TOPMed 0.00017; ExAC 0.00005.

Submissions (9):

CeGaT Center for Human Genetics Tuebingen
Classification: Likely benign. Last evaluated: 2026-07-01. Review status: criteria provided, single submitter. Criteria: CeGaT Center For Human Genetics Tuebingen Variant Classification Criteria Version 2. Collection method: clinical testing. Allele origin: germline. Affected: yes. Observed: 8 variant alleles.
Comment: TTN: BP4, BP7

Labcorp Genetics (formerly Invitae), Labcorp
Classification: Likely benign for Dilated cardiomyopathy 1G; Autosomal recessive limb-girdle muscular dystrophy type 2J. Last evaluated: 2026-01-19. Review status: criteria provided, single submitter. Criteria: Invitae Variant Classification Sherloc (09022015). Collection method: clinical testing. Allele origin: germline.

Blueprint Genetics
Classification: Likely benign. Last evaluated: 2024-11-21. Review status: criteria provided, single submitter. Criteria: ACMG Guidelines, 2015. Collection method: clinical testing. Allele origin: germline.

ARUP Laboratories, Molecular Genetics and Genomics, ARUP Laboratories
Classification: Likely benign. Last evaluated: 2023-12-01. Review status: criteria provided, single submitter. Criteria: ARUP Molecular Germline Variant Investigation Process 2024. Collection method: clinical testing. Allele origin: germline.

Women's Health and Genetics/Laboratory Corporation of America, LabCorp
Classification: Likely benign. Last evaluated: 2021-10-17. Review status: criteria provided, single submitter. Criteria: LabCorp Variant Classification Summary - May 2015. Collection method: clinical testing. Allele origin: germline.

Ambry Genetics
Classification: Likely benign for Cardiovascular phenotype. Last evaluated: 2019-10-16. Review status: criteria provided, single submitter. Criteria: Ambry Variant Classification Scheme 2023. Collection method: clinical testing. Allele origin: germline.

Eurofins Ntd Llc (ga)
Classification: Uncertain significance. Last evaluated: 2016-01-08. Review status: criteria provided, single submitter. Criteria: EGL Classification Definitions 2015. Collection method: clinical testing. Allele origin: germline. Observed: 3 variant alleles, 3 heterozygotes.

Laboratory for Molecular Medicine, Mass General Brigham Personalized Medicine
Classification: Likely benign. Last evaluated: 2015-06-30. Review status: criteria provided, single submitter. Criteria: LMM Criteria. Collection method: clinical testing. Allele origin: germline. Observed: 1 variant allele.
Comment: p.Leu31800Leu in exon 307 of TTN: This variant is not expected to have clinical significance because it does not alter an amino acid residue and is not located within the splice consensus sequence. It has been identified in 6/66652 European chromosomes by the Exome Aggregation Consortium (ExAC).

GeneDx
Classification: Benign. Last evaluated: 2015-03-03. Review status: criteria provided, single submitter. Criteria: GeneDx Variant Classification Process June 2021. Collection method: clinical testing. Allele origin: germline. Affected: yes.